The following is an entry in ClinVar:

NM_003489.4(NRIP1):c.3448G>A (p.Val1150Met)

Gene: NRIP1 (nuclear receptor interacting protein 1; minus strand). Cytogenetic location: 21q11.2.
Variant type: single nucleotide variant.
Coding change: c.3448G>A on transcript NM_003489.4 (MANE Select); coding-DNA position 3448, G replaced by A.
Protein change: p.Val1150Met; replaces valine 1150 with methionine.
Molecular consequence: missense variant.
Genome position (GRCh38, 1-based): chr21:14,964,745, C>T on the plus strand (G>A on the coding strand, the complement: NRIP1 is on the minus strand). VCF-style: chr21-14964745-C-T. GRCh37 (hg19) VCF-style: chr21-16337066-C-T.
Other names: short protein forms V1150M.
Identifiers: ClinVar variation 3030792 (VCV003030792.3), dbSNP rs551752491, ClinGen allele CA9980950.
Genomic context (GRCh38, chr21:14,964,745, plus strand): 5'-AAAAGATCCAAAACTGGATGGCAGGTACATTTTATTCTGATTCTTTCTTTATCGTTAGCA[C>T]GCTTCCCAGAAGTCCATAAACTTCTCCATTTGCGCTGTGTGGGCGAGAAGCATTATTTCC-3'
Protein context (NP_003480.2, residues 1140-1158): NGEVYGLLGS[Val1150Met]LTIKKESE

ClinVar aggregate classification (germline): Uncertain significance. Review status: criteria provided, single submitter (1 of 4 stars). 2 submissions from 2 submitters: Uncertain significance (1). 1 of the submissions does not count toward it. Last evaluated 2025-09-25.

Conditions:
NRIP1-related disorder. Also called: NRIP1-related condition.
Inborn genetic diseases. Identifiers: MedGen C0950123, MeSH D030342.

Allele frequency attached by ClinVar (database versions not stated): ExAC 0.00001; gnomAD 0.00005; TOPMed 0.00002.
gnomAD v4.1: 52 of 1,560,734 alleles (0.0033%); highest among the groups gnomAD compares: Middle Eastern, 0.035%; no homozygotes.

Submissions (2):

Ambry Genetics
Classification: Uncertain significance for Inborn genetic diseases. Last evaluated: 2025-09-25. Review status: criteria provided, single submitter. Criteria: Ambry Variant Classification Scheme 2023. Collection method: clinical testing. Allele origin: germline.

PreventionGenetics, part of Exact Sciences
Classification: Uncertain significance for NRIP1-related condition. Last evaluated: 2023-12-26. Review status: no assertion criteria provided. Collection method: clinical testing. Allele origin: germline. Not counted in ClinVar's aggregate classification.
Comment: The NRIP1 c.3448G>A variant is predicted to result in the amino acid substitution p.Val1150Met. To our knowledge, this variant has not been reported in the literature. This variant is reported in 0.017% of alleles in individuals of East Asian descent in gnomAD. At this time, the clinical significance of this variant is uncertain due to the absence of conclusive functional and genetic evidence.